The following is an entry in ClinVar:

ClinVar aggregate classification (germline): Uncertain significance (1 of 4 stars; one submission).

Allele frequency attached by ClinVar (database versions not stated): gnomAD 0.00001; gnomAD exomes 0.00001; ExAC 0.00001.
gnomAD v4.1: 14 of 1,613,610 alleles (0.00087%); highest among the groups gnomAD compares: African/African-American, 0.0027%; no homozygotes.

Submission:

Labcorp Genetics (formerly Invitae), Labcorp
Classification: Uncertain significance. Last evaluated: 2025-04-17. Review status: criteria provided, single submitter. Criteria: Invitae Variant Classification Sherloc (09022015). Collection method: clinical testing. Allele origin: germline.
Comment: This sequence change replaces alanine, which is neutral and non-polar, with threonine, which is neutral and polar, at codon 146 of the SEMA4A protein (p.Ala146Thr). This variant is present in population databases (rs770370224, gnomAD 0.004%). This variant has not been reported in the literature in individuals affected with SEMA4A-related conditions. ClinVar contains an entry for this variant (Variation ID: 1419803). Invitae Evidence Modeling of protein sequence and biophysical properties (such as structural, functional, and spatial information, amino acid conservation, physicochemical variation, residue mobility, and thermodynamic stability) indicates that this missense variant is expected to disrupt SEMA4A protein function with a positive predictive value of 80%. In summary, the available evidence is currently insufficient to determine the role of this variant in disease. Therefore, it has been classified as a Variant of Uncertain Significance.

NM_022367.4(SEMA4A):c.436G>A (p.Ala146Thr)

Gene: SEMA4A (semaphorin 4A; plus strand). Cytogenetic location: 1q22.
Variant type: single nucleotide variant.
Coding change: c.436G>A on transcript NM_022367.4 (MANE Select); coding-DNA position 436, G replaced by A.
Protein change: p.Ala146Thr; replaces alanine 146 with threonine.
Molecular consequence: missense variant. On other transcripts: 5 prime UTR variant (2), intron variant (1).
Genome position (GRCh38, 1-based): chr1:156,158,460, G>A. VCF-style: chr1-156158460-G-A. GRCh37 (hg19) VCF-style: chr1-156128251-G-A.
Other names: c.436G>A, p.Ala146Thr (NM_001193300.2, NM_001193301.2, NM_001370567.1); c.139G>A, p.Ala47Thr (NM_001370568.1); c.-89G>A (NM_001370569.1, NM_001370571.1); c.67-259G>A (NM_001193302.2); short protein forms A146T, A47T.
Identifiers: ClinVar variation 1419803 (VCV001419803.6), dbSNP rs770370224, ClinGen allele CA1155033.